The following is an entry in ClinVar:

NM_001378452.1(ITPR1):c.2427G>A (p.Ser809=)

Gene: ITPR1 (inositol 1,4,5-trisphosphate receptor type 1; plus strand). Cytogenetic location: 3p26.1.
Variant type: single nucleotide variant.
Coding change: c.2427G>A on transcript NM_001378452.1 (MANE Select); coding-DNA position 2427, G replaced by A.
Protein change: p.Ser809=; no amino-acid change (serine 809 retained).
Molecular consequence: synonymous variant.
Genome position (GRCh38, 1-based): chr3:4,673,358, G>A. VCF-style: chr3-4673358-G-A. GRCh37 (hg19) VCF-style: chr3-4715042-G-A.
Other names: c.2427G>A, p.Ser809= (NM_001099952.4); c.2382G>A, p.Ser794= (NM_001168272.2, NM_002222.7).
Identifiers: ClinVar variation 345713 (VCV000345713.12), dbSNP rs553559062, ClinGen allele CA2231410.
Genomic context (GRCh38, chr3:4,673,358, plus strand): 5'-GCATGTGGACCGAGATCCCCAGGAACAAGTCACCCCCGTGAAATATGCCCGCCTCTGGTC[G>A]GAGATTCCCTCGGAGATCGCCATTGACGAGTGAGCCTGGCACCTGAAAACCTCACTTTAC-3'
Protein context (NP_001365381.1, residues 799-819): VTPVKYARLW[Ser809=]EIPSEIAIDD

ClinVar aggregate classification (germline): Likely benign. Review status: criteria provided, multiple submitters, no conflicts (2 of 4 stars). 3 submissions from 3 submitters: Likely benign (3). Last evaluated 2025-10-26.

Conditions:
Autosomal dominant cerebellar ataxia. Also called: Spinocerebellar Ataxia, Dominant. Identifiers: Orphanet 99, MedGen C4087347, MONDO:0020380.

Allele frequency attached by ClinVar (database versions not stated): TOPMed 0.00009; 1000 Genomes Project 30x 0.00047; 1000 Genomes Project 0.00060.
gnomAD v4.1: 146 of 1,610,448 alleles (0.0091%); highest among the groups gnomAD compares: East Asian, 0.12%; no homozygotes.

Submissions (4):

Labcorp Genetics (formerly Invitae), Labcorp
Classification: Likely benign. Last evaluated: 2025-10-26. Review status: criteria provided, single submitter. Criteria: Invitae Variant Classification Sherloc (09022015). Collection method: clinical testing. Allele origin: germline.

GeneDx
Classification: Likely benign. Last evaluated: 2020-09-23. Review status: criteria provided, single submitter. Criteria: GeneDx Variant Classification Process June 2021. Collection method: clinical testing. Allele origin: germline. Affected: yes.

Illumina Laboratory Services, Illumina
Classification: Likely benign for Spinocerebellar Ataxia, Dominant. Last evaluated: 2018-01-12. Review status: criteria provided, single submitter. Criteria: ICSL Variant Classification Criteria 13 December 2019. Collection method: clinical testing. Allele origin: germline.
Comment: This variant was observed in the ICSL laboratory as part of a predisposition screen in an ostensibly healthy population. It had not been previously curated by ICSL or reported in the Human Gene Mutation Database (HGMD: prior to June 1st, 2018), and was therefore a candidate for classification through an automated scoring system. Utilizing variant allele frequency, disease prevalence and penetrance estimates, and inheritance mode, an automated score was calculated to assess if this variant is too frequent to cause the disease. Based on the score and internal cut-off values, a variant classified as likely benign is not then subjected to further curation. The score for this variant resulted in a classification of likely benign for this disease.

Dr. Peter K. Rogan Lab, Western University
No classification provided (evidence only). Condition: Colon adenocarcinoma. Review status: no classification provided. Collection method: in vitro. Allele origin: not applicable. Functional consequence: retained intron. Not counted in ClinVar's aggregate classification.